The following is an entry in ClinVar:

NM_015274.3(MAN2B2):c.1057+93C>T

Gene: MAN2B2 (mannosidase alpha class 2B member 2; plus strand). Cytogenetic location: 4p16.1.
Variant type: single nucleotide variant.
Coding change: c.1057+93C>T on transcript NM_015274.3 (MANE Select); 93 bases into the intron after coding-DNA position 1057, C replaced by T.
Molecular consequence: intron variant.
Genome position (GRCh38, 1-based): chr4:6,594,825, C>T. VCF-style: chr4-6594825-C-T. GRCh37 (hg19) VCF-style: chr4-6596552-C-T.
Other names: c.904+93C>T (NM_001292038.2).
Identifiers: ClinVar variation 2688043 (VCV002688043.2), dbSNP rs2301793, ClinGen allele CA11677789.

ClinVar aggregate classification (germline): Benign (1 of 4 stars; one submission).

Allele frequency attached by ClinVar (database versions not stated): 1000 Genomes Project 30x 0.45237; 1000 Genomes Project 0.45527; TOPMed 0.48499; gnomAD 0.49047; gnomAD exomes 0.51452.
gnomAD v4.1: 677,477 of 1,324,034 alleles (51%); highest among the groups gnomAD compares: Middle Eastern, 58%; 174,997 homozygotes.

Submission:

Unidad de Genómica Garrahan, Hospital de Pediatría Garrahan
Classification: Benign. Last evaluated: 2024-01-24. Review status: criteria provided, single submitter. Criteria: ACMG Guidelines, 2015. Collection method: clinical testing. Allele origin: germline. Affected: no. Observed: 61 variant alleles.
Comment: This variant is classified as Benign based on local population frequency. This variant was detected in 64% of patients studied by a panel of primary immunodeficiencies. Number of patients: 61. Only high quality variants are reported.